The following is an entry in ClinVar:

NM_001830.4(CLCN4):c.1926C>G (p.Ser642=)

Gene: CLCN4 (Cl-/H+ antiporter 4; plus strand). Cytogenetic location: Xp22.2.
Variant type: single nucleotide variant.
Coding change: c.1926C>G on transcript NM_001830.4 (MANE Select); coding-DNA position 1926, C replaced by G.
Protein change: p.Ser642=; no amino-acid change (serine 642 retained).
Molecular consequence: synonymous variant.
Genome position (GRCh38, 1-based): chrX:10,214,030, C>G. VCF-style: chrX-10214030-C-G. GRCh37 (hg19) VCF-style: chrX-10182070-C-G.
Other names: c.1644C>G, p.Ser548= (NM_001256944.2).
Identifiers: ClinVar variation 3390211 (VCV003390211.14).

ClinVar aggregate classification (germline): Likely benign (1 of 4 stars; one submission).

Submission:

CeGaT Center for Human Genetics Tuebingen
Classification: Likely benign. Last evaluated: 2024-11-01. Review status: criteria provided, single submitter. Criteria: CeGaT Center For Human Genetics Tuebingen Variant Classification Criteria Version 2. Collection method: clinical testing. Allele origin: germline. Affected: yes. Observed: 1 variant allele.
Comment: CLCN4: PM2:Supporting, BP4, BP7